The following is an entry in ClinVar:

ClinVar aggregate classification (germline): Uncertain significance (1 of 4 stars; one submission).

Conditions:
Dyskeratosis congenita, autosomal dominant 1 (DKCA1). Also called: Dyskeratosis congenita Scoggins type. Identifiers: Orphanet 1775, MedGen C4551974, MONDO:0007485, OMIM 127550. Inheritance: Variable.

Submission:

Labcorp Genetics (formerly Invitae), Labcorp
Classification: Uncertain significance for Dyskeratosis congenita, autosomal dominant 1. Last evaluated: 2022-05-03. Review status: criteria provided, single submitter. Criteria: Invitae Variant Classification Sherloc (09022015). Collection method: clinical testing. Allele origin: germline.
Comment: This variant is located within the template/pseudoknot domain of the TERC RNA component, which is required for RNA or RNP stability (PMID: 15082312, 21844345). In summary, the available evidence is currently insufficient to determine the role of this variant in disease. Therefore, it has been classified as a Variant of Uncertain Significance. This variant is located in a region of TERC in which a significant number of disease causing variants have been reported (PMID: 15082312, 21844345, 21931702). These observations suggest that this may be a clinically significant region. This variant has not been reported in the literature in individuals affected with TERC-related conditions. This variant is not present in population databases (gnomAD no frequency). This variant occurs in the TERC gene, which encodes an RNA molecule that does not result in a protein product.

Literature cited by the submitters: PubMed 15082312; PubMed 21844345; PubMed 21931702.

NC_000003.12:g.169764985C>T

Genes: TERC (telomerase RNA component; minus strand), LOC110806306 (telomerase RNA component (TERC) promoter; plus strand). Cytogenetic location: 3q26.2.
Variant type: single nucleotide variant.
Genome position: GRCh38 VCF-style: chr3-169764985-C-T. GRCh37 (hg19) VCF-style: chr3-169482773-C-T.
Identifiers: ClinVar variation 2132958 (VCV002132958.4), dbSNP rs2108183324, ClinGen allele CA436715879.